The following is an entry in ClinVar:

ClinVar aggregate classification (germline): Uncertain significance. Review status: criteria provided, multiple submitters, no conflicts (2 of 4 stars). 2 submissions from 2 submitters: Uncertain significance (2). Last evaluated 2025-07-25.

Conditions:
Hereditary cancer-predisposing syndrome. Also called: Tumor predisposition; Hereditary neoplastic syndrome; Neoplastic Syndromes, Hereditary; Hereditary Cancer Syndrome. Identifiers: Orphanet 140162, MedGen C0027672, MeSH D009386, MONDO:0015356.
Retinoblastoma (RB1). Also called: RETINOBLASTOMA, SOMATIC. Identifiers: Orphanet 790, MedGen C0035335, MeSH D012175, MONDO:0008380, OMIM 180200, HP:0009919. Disease mechanism: loss of function. Inheritance: Both sporadic and heritable forms are tested..

Allele frequency attached by ClinVar (database versions not stated): gnomAD exomes below 0.00001.
gnomAD v4.1: 1 of 1,613,866 alleles (0.000062%); highest among the groups gnomAD compares: Non-Finnish European, 0.000085%; no homozygotes.

Submissions (2):

Ambry Genetics
Classification: Uncertain significance for Hereditary cancer-predisposing syndrome. Last evaluated: 2025-07-25. Review status: criteria provided, single submitter. Criteria: Ambry Variant Classification Scheme 2023. Collection method: clinical testing. Allele origin: germline.
Comment: The p.I422M variant (also known as c.1266A>G), located in coding exon 13 of the RB1 gene, results from an A to G substitution at nucleotide position 1266. The isoleucine at codon 422 is replaced by methionine, an amino acid with highly similar properties. This amino acid position is conserved. In addition, this alteration is predicted to be tolerated by in silico analysis. Based on the available evidence, the clinical significance of this variant remains unclear.

Labcorp Genetics (formerly Invitae), Labcorp
Classification: Uncertain significance for Retinoblastoma. Last evaluated: 2022-01-23. Review status: criteria provided, single submitter. Criteria: Invitae Variant Classification Sherloc (09022015). Collection method: clinical testing. Allele origin: germline.
Comment: In summary, the available evidence is currently insufficient to determine the role of this variant in disease. Therefore, it has been classified as a Variant of Uncertain Significance. Algorithms developed to predict the effect of missense changes on protein structure and function (SIFT, PolyPhen-2, Align-GVGD) all suggest that this variant is likely to be tolerated. This variant has not been reported in the literature in individuals affected with RB1-related conditions. This variant is not present in population databases (gnomAD no frequency). This sequence change replaces isoleucine, which is neutral and non-polar, with methionine, which is neutral and non-polar, at codon 422 of the RB1 protein (p.Ile422Met).

NM_000321.3(RB1):c.1266A>G (p.Ile422Met)

Gene: RB1 (RB transcriptional corepressor 1; plus strand). Cytogenetic location: 13q14.2.
Variant type: single nucleotide variant.
Coding change: c.1266A>G on transcript NM_000321.3 (MANE Select); coding-DNA position 1266, A replaced by G.
Protein change: p.Ile422Met; replaces isoleucine 422 with methionine.
Molecular consequence: missense variant.
Genome position (GRCh38, 1-based): chr13:48,376,968, A>G. VCF-style: chr13-48376968-A-G. GRCh37 (hg19) VCF-style: chr13-48951104-A-G.
Other names: c.1266A>G, p.Ile422Met (NM_001407165.1, NM_001407166.1); short protein forms I422M.
Identifiers: ClinVar variation 2157892 (VCV002157892.5), dbSNP rs2138136421, ClinGen allele CA388162047.